The following continues an entry in ClinVar:

NM_000371.4(TTR):c.148G>A (p.Val50Met)

Gene: TTR. ClinVar aggregate classification (germline): Pathogenic. Pathogenic (36).

Submissions 20 to 36 of 44:

MGZ Medical Genetics Center
Classification: Pathogenic for Amyloidosis, hereditary systemic 1. Last evaluated: 2022-02-18. Review status: criteria provided, single submitter. Criteria: ACMG Guidelines, 2015. Collection method: clinical testing. Allele origin: germline. Affected: yes. Observed: 2 variant alleles.
Comment: ACMG criteria applied: PS3, PS4, PP1, PP3

AiLife Diagnostics
Classification: Pathogenic. Last evaluated: 2022-02-16. Review status: criteria provided, single submitter. Criteria: ACMG Guidelines, 2015. Collection method: clinical testing. Allele origin: germline. Affected: yes. Observed: 1 variant allele.

Johns Hopkins Genomics, Johns Hopkins University
Classification: Pathogenic for Amyloidosis, hereditary systemic 1. Last evaluated: 2022-02-12. Review status: criteria provided, single submitter. Criteria: ACMG Guidelines, 2015. Collection method: clinical testing. Allele origin: germline.
Comment: This TTR variant (rs28933979) is rare (<0.1%) in a large population dataset (gnomAD: 26/251462 total alleles; 0.01%; no homozygotes) and has been reported in ClinVar. This variant, c.148G>A (p.Val50Met), also described as p.Val30Met in the literature, is the most common pathogenic variant in individuals with familial transthyretin amyloidosis. Individuals with this variant have a variable clinical presentation ranging from asymptomatic carriers to systemic disease, consistent with reduced penetrance. Other pathogenic variants at this same nucleotide position have been associated with amyloidosis, including c.148G>C (p.Val50Leu). Experimental studies demonstrate that this missense variant significantly affects protein stability. In addition, transgenic mice containing this variant showed amyloid deposition and an inflammatory response similar to human familial transthyretin amyloidosis. We consider this variant to be pathogenic.

Dasa
Classification: Pathogenic for Amyloidosis, hereditary systemic 1. Last evaluated: 2022-01-05. Review status: criteria provided, single submitter. Criteria: ACMG Guidelines, 2015. Collection method: clinical testing. Allele origin: germline. Affected: yes. Observed: 2 variant alleles.
Comment: The c.148G>A;p.(Val50Met) missense variant has been observed in affected individual(s) and ClinVar contains an entry for this variant (Clinvar ID: 13417; PMID: 25550818; 15820680; 24601850; 22745357; 17503405; 30328212; 26088020; 20301373; OMIM: 176300.0001) - PS4. Well-established in vitro or in vivo functional studies support a damaging effect on the gene or gene product (PMID: 25519307, 26088020) - .PS3_moderate. The variant is located in a mutational hot spot and/or critical and well-established functional domain (Transthyretin domain) - PM1. The variant is present at low allele frequencies population databases (rs28933979– gnomAD 0.0004600%; ABraOM no frequency) - PM2_supporting. Pathogenic missense variant in this residue have been reported (Clinvar ID: 13430; 13440; 13465) - PM5. The variant co-segregated with disease in multiple affected family members (PMID: 26115788) - PP1. Multiple lines of computational evidence support a deleterious effect on the gene or gene product - PP3. In summary, the currently available evidence indicates that the variant is pathogenic.

Fulgent Genetics
Classification: Pathogenic for Amyloidosis, hereditary systemic 1; Carpal tunnel syndrome 1; Hyperthyroxinemia, dystransthyretinemic. Last evaluated: 2021-12-26. Review status: criteria provided, single submitter. Criteria: ACMG Guidelines, 2015. Collection method: clinical testing. Allele origin: unknown.

Department of Human Genetics, Hannover Medical School
Classification: Pathogenic for Amyloidosis, hereditary systemic 1. Last evaluated: 2021-12-22. Review status: criteria provided, single submitter. Criteria: ACMG Guidelines, 2015. Collection method: clinical testing. Allele origin: germline. Inheritance: Autosomal recessive inheritance. Affected: yes.

Kariminejad - Najmabadi Pathology & Genetics Center
Classification: Pathogenic for Hyperthyroxinemia, dystransthyretinemic; Amyloidosis, hereditary systemic 1; Carpal tunnel syndrome 1. Last evaluated: 2021-07-17. Review status: criteria provided, single submitter. Criteria: ACMG Guidelines, 2015. Collection method: clinical testing. Allele origin: germline. Inheritance: Autosomal dominant inheritance. Affected: yes.
Comment: PM1, PP2, PP3, PS3, PS1, PM5

Laboratory for Molecular Medicine, Mass General Brigham Personalized Medicine
Classification: Pathogenic for ATTRV30M amyloidosis. Last evaluated: 2021-04-06. Review status: criteria provided, single submitter. Criteria: LMM Criteria. Collection method: clinical testing. Allele origin: germline. Inheritance: Autosomal dominant inheritance. Observed: 4 variant alleles.
Comment: The p.Val50Met variant in TTR (also described as p.Val30Met in the literature) is a common variant in individuals with hereditary transthyretin amyloidosis (ATTR), especially in those of Portuguese, Swedish and Japanese ancestry. It has been reported in a multitude of affected individuals and segregated with disease in >100 affected individuals from >95 families, although >100 individuals who carry this variant were found to be asymptomatic, suggesting reduced penetrance (Coelho 1994 PMID: 8071954, Hattori 2003 PMID: 14986482, Hellman 2008 PMID: 18925456, Rapezzi 2012 PMID: 22745357, Bekircan-Kurt 2015 PMID: 26115788, LMM data). This variant has also been reported by other clinical laboratories in ClinVar (Variation ID 13417) and has been identified in 0.017% (19/113746) of European chromosomes by gnomAD. Although this frequency is high in the general population, it is consistent with reduced penetrance. Two mouse models showed amyloid deposition and an inflammatory response similar to human familial transthyretin amyloidosis, and in vitro functional studies provide some evidence that this variant impacts protein function by reducing conformational stability (Yi 1991 PMID: 1992765, Altland 2007 PMID: 17503405, Goncalves 2014 PMID: 24800914). In summary, this variant meets criteria to be classified as pathogenic for autosomal dominant transthyretin amyloidosis, with reduced penetrance. ACMG/AMP criteria applied: PS4, PP1_Strong, PS3.

Institute of Medical Genetics and Applied Genomics, University Hospital Tübingen
Classification: Pathogenic. Last evaluated: 2020-10-23. Review status: criteria provided, single submitter. Criteria: ACMG Guidelines, 2015. Collection method: clinical testing. Allele origin: germline. Inheritance: Unknown mechanism. Affected: yes.

Illumina Laboratory Services, Illumina
Classification: Pathogenic for Amyloidosis, hereditary systemic 1. Last evaluated: 2019-10-21. Review status: criteria provided, single submitter. Criteria: ICSLVariantClassificationCriteria RUGD 01 April 2020. Collection method: clinical testing. Allele origin: unknown.
Comment: Across a selection of the available literature, the TTR c.148G>A (p.Val50Met) missense variant has been identified as the most common variant in individuals with familial transthyretin amyloidosis (ATTR), with an estimated frequency of 0.04 in affected individulas from Sweden. This variant, also referred to as p.Val30Met in the literature, has been reported in both a homozygous and a heterozygous state (Andres et al. 2018; Hellman et al. 2008; Sekijima 2018). The age of onset of disease for individuals carrying the variant differs between populations, with Portugese and Japanese carriers presenting with earlier onset at 33 years. Overall, the penetrance increased with age and was significantly higher when the variant was inherited from the mother than from the father (Hellman et al. 2008). The p.Val50Met variant is reported at a frequency of 0.000487 in the Other population of the Genome Aggregation Database. This allele frequency is high but may be consistent with reduced penetrance. Transgenic mice carrying the p.Val50Met variant show higher amyloid deposition in the gastrointestinal tract, renal glomeruli, myocardium, small vascular walls, and thyroid with advancing age, which is consistent with findings from patient autopsy reports (Yi et al. 1991). Goncalves et al. (2014) showed a higher TTR expression, tissue specific deposition in nerves, reduced inflammatory response, and impaired regenerative process in injured nerves of transgenic p.Val50Met mice compared to their wild type counterparts. Based on the collective evidence and application of the ACMG criteria, the p.Val50Met variant is classified as pathogenic for familial transthyretin amyloidosis.

Clinical Genetics and Genomics, Karolinska University Hospital
Classification: Pathogenic. Last evaluated: 2016-04-08. Review status: criteria provided, single submitter. Criteria: ACMG Guidelines, 2015. Collection method: clinical testing. Allele origin: germline. Affected: yes. Observed: 30 variant alleles.

Stanford Center for Inherited Cardiovascular Disease, Stanford University
Classification: Pathogenic. Last evaluated: 2012-11-20. Review status: criteria provided, single submitter. Criteria: ACMG Guidelines, 2015. Collection method: provider interpretation. Allele origin: germline.

Women's Health and Genetics/Laboratory Corporation of America, LabCorp
Classification: Pathogenic for Transthyretin Amyloidosis. Last evaluated: 2011-08-18. Review status: criteria provided, single submitter. Criteria: LabCorp Variant Classification Summary - May 2015. Collection method: curation. Allele origin: germline. Inheritance: autosomal dominant. Affected: yes. Observed: 10 variant alleles.
ClinVar note: Converted during submission from pathogenic to Pathogenic.

Clinical Genetics Service, Universitary Hospital 12 de Octubre
Classification: Pathogenic for Amyloidosis, hereditary systemic 1. Review status: criteria provided, single submitter. Criteria: ACMG Guidelines, 2015. Collection method: clinical testing. Allele origin: germline. Affected: yes.

Hadassah Hebrew University Medical Center
Classification: Pathogenic for Amyloidosis, hereditary systemic 1. Review status: criteria provided, single submitter. Criteria: ACMG Guidelines, 2015. Collection method: research. Allele origin: germline. Affected: no. Observed: 1 variant allele.

Juno Genomics, Hangzhou Juno Genomics, Inc
Classification: Pathogenic for Amyloidosis, hereditary systemic 1. Review status: criteria provided, single submitter. Criteria: ACMG Guidelines, 2015. Collection method: clinical testing. Allele origin: germline.
Comment: Novel missense change at an amino acid residue where a different missense change determined to be pathogenic has been seen before.;Absent from controls (or at extremely low frequency if recessive) in Genome Aggregation Database.;Well-established in vitro or in vivo functional studies supportive of a damaging effect on the gene or gene product.;The prevalence of the variant in affected individuals is significantly increased compared to the prevalence in controls.;Co-segregation with disease in multiple affected family members.

Molecular Genetics Laboratory, London Health Sciences Centre
Classification: Pathogenic for Charcot-Marie-Tooth disease. Review status: criteria provided, single submitter. Criteria: ACMG Guidelines, 2015. Collection method: clinical testing. Allele origin: germline. Affected: yes.